The following is an entry in ClinVar:

NM_001197104.2(KMT2A):c.9571_9572del (p.Val3191fs)

Gene: KMT2A (lysine methyltransferase 2A; plus strand). Cytogenetic location: 11q23.3.
Variant type: Deletion.
Coding change: c.9571_9572del on transcript NM_001197104.2 (MANE Select); coding-DNA positions 9571 to 9572, 2 bases deleted (GT; older notation c.9571_9572delGT).
Protein change: p.Val3191fs; shifts the reading frame from valine 3191.
Molecular consequence: frameshift variant.
Genome position (GRCh38, 1-based): chr11:118,505,463-118,505,464, GT deleted. VCF-style (leftmost placement, unchanged base first): chr11-118505462-GGT-G. GRCh37 (hg19) VCF-style: chr11-118376177-GGT-G.
Other names: c.9661_9662del, p.Val3221fs (NM_001412597.1); c.9562_9563del, p.Val3188fs (NM_005933.4); short protein forms V3188fs, V3191fs, V3221fs.
Identifiers: ClinVar variation 3897983 (VCV003897983.1).

ClinVar aggregate classification (germline): Likely pathogenic (1 of 4 stars; one submission).

Conditions:
Wiedemann-Steiner syndrome (WDSTS). Also called: Growth deficiency and mental retardation with facial dysmorphism. Identifiers: Orphanet 319182, MedGen C1854630, MONDO:0011518, OMIM 605130.

Submission:

Neuberg Centre For Genomic Medicine, NCGM
Classification: Likely pathogenic for Wiedemann-Steiner syndrome. Last evaluated: 2024-02-01. Review status: criteria provided, single submitter. Criteria: ACMG Guidelines, 2015. Collection method: clinical testing. Allele origin: germline. Inheritance: Autosomal dominant inheritance.
Comment: The frameshift c.9571_9572del (p.Val3191SerfsTer44) variant in KMT2A gene has not been previously reported as pathogenic variant nor as a benign variant, to our knowledge. This variant is predicted to cause loss of normal protein function through protein truncation. Loss of function variants in KMT2A have been previously reported to be disease causing (Castiglioni et al., 2022).